The following is an entry in ClinVar:

ClinVar aggregate classification (germline): Likely benign (0 of 4 stars; one submission).

Conditions:
BDH1-related disorder. Also called: BDH1-related condition.

Allele frequency attached by ClinVar (database versions not stated): gnomAD exomes 0.00018; ExAC 0.00059; 1000 Genomes Project 0.00140; 1000 Genomes Project 30x 0.00156; gnomAD 0.00194; TOPMed 0.00223; ESP Exome Variant Server 0.00231.
gnomAD v4.1: 575 of 1,614,168 alleles (0.036%); highest among the groups gnomAD compares: African/African-American, 0.68%; 2 homozygotes.

Submission:

PreventionGenetics, part of Exact Sciences
Classification: Likely benign for BDH1-related condition. Last evaluated: 2019-06-04. Review status: no assertion criteria provided. Collection method: clinical testing. Allele origin: germline.
Comment: This variant is classified as likely benign based on ACMG/AMP sequence variant interpretation guidelines (Richards et al. 2015 PMID: 25741868, with internal and published modifications).

NM_203314.3(BDH1):c.328G>A (p.Val110Ile)

Gene: BDH1 (3-hydroxybutyrate dehydrogenase 1). Cytogenetic location: 3q29.
Variant type: single nucleotide variant.
Coding change: c.328G>A on transcript NM_203314.3 (MANE Select); coding-DNA position 328, G replaced by A.
Protein change: p.Val110Ile; replaces valine 110 with isoleucine.
Molecular consequence: missense variant.
Genome position (GRCh38, 1-based): chr3:197,522,721, C>T on the plus strand (G>A on the coding strand, the complement: BDH1 is on the minus strand). VCF-style: chr3-197522721-C-T. GRCh37 (hg19) VCF-style: chr3-197249592-C-T.
Other names: c.328G>A, p.Val110Ile (NM_004051.5, NM_203315.3); short protein forms V110I.
Identifiers: ClinVar variation 3044178 (VCV003044178.2), dbSNP rs115125137, ClinGen allele CA2786204.